The following is an entry in ClinVar:

ClinVar aggregate classification (germline): Uncertain significance (1 of 4 stars; one submission).

Submission:

GeneDx
Classification: Uncertain significance. Last evaluated: 2019-11-08. Review status: criteria provided, single submitter. Criteria: GeneDx Variant Classification Process June 2021. Collection method: clinical testing. Allele origin: germline. Affected: yes.
Comment: Not observed in large population cohorts (Lek et al., 2016); In silico analysis, which includes protein predictors and evolutionary conservation, supports that this variant does not alter protein structure/function; Has not been previously published as pathogenic or benign to our knowledge; In-silico analysis, which includes splice predictors and evolutionary conservation, is inconclusive as to whether the variant alters gene splicing. In the absence of RNA/functional studies, the actual effect of this sequence change is unknown

NM_004187.5(KDM5C):c.350A>G (p.Lys117Arg)

Gene: KDM5C (lysine demethylase 5C; minus strand). Cytogenetic location: Xp11.22.
Variant type: single nucleotide variant.
Coding change: c.350A>G on transcript NM_004187.5 (MANE Select); coding-DNA position 350, A replaced by G.
Protein change: p.Lys117Arg; replaces lysine 117 with arginine.
Molecular consequence: missense variant. On other transcripts: non-coding transcript variant (2), intron variant (1).
Genome position (GRCh38, 1-based): chrX:53,218,277, T>C on the plus strand (A>G on the coding strand, the complement: KDM5C is on the minus strand). VCF-style: chrX-53218277-T-C. GRCh37 (hg19) VCF-style: chrX-53247459-T-C.
Other names: c.350A>G, p.Lys117Arg (NM_001282622.3, NM_001353978.3, NM_001353979.2 and 3 more transcripts); c.151-311A>G (NM_001146702.2); short protein forms K117R.
Identifiers: ClinVar variation 1211673 (VCV001211673.3), dbSNP rs2146952530, ClinGen allele CA413131326.